The following is an entry in ClinVar:

NM_000088.4(COL1A1):c.3491C>T (p.Pro1164Leu)

Gene: COL1A1 (collagen type I alpha 1 chain; minus strand). Cytogenetic location: 17q21.33.
Variant type: single nucleotide variant.
Coding change: c.3491C>T on transcript NM_000088.4 (MANE Select); coding-DNA position 3491, C replaced by T.
Protein change: p.Pro1164Leu; replaces proline 1164 with leucine.
Molecular consequence: missense variant.
Genome position (GRCh38, 1-based): chr17:50,187,055, G>A on the plus strand (C>T on the coding strand, the complement: COL1A1 is on the minus strand). VCF-style: chr17-50187055-G-A. GRCh37 (hg19) VCF-style: chr17-48264416-G-A.
Other names: short protein forms P1164L.
Identifiers: ClinVar variation 2832296 (VCV002832296.3), dbSNP rs1906609792, ClinGen allele CA400198693.

ClinVar aggregate classification (germline): Uncertain significance (1 of 4 stars; one submission).

Conditions:
Osteogenesis imperfecta type I (OI1). Also called: OI, TYPE I; OSTEOGENESIS IMPERFECTA TARDA; OSTEOGENESIS IMPERFECTA WITH BLUE SCLERAE; Osteogenesis imperfecta type 1; Lobstein's Disease; Lobstein disease. Identifiers: Orphanet 216796, Orphanet 666, MedGen C0023931, MONDO:0008146, OMIM 166200. Disease mechanism: loss of function.

Submission:

Labcorp Genetics (formerly Invitae), Labcorp
Classification: Uncertain significance for Osteogenesis imperfecta type I. Last evaluated: 2023-01-27. Review status: criteria provided, single submitter. Criteria: Invitae Variant Classification Sherloc (09022015). Collection method: clinical testing. Allele origin: germline.
Comment: This sequence change replaces proline, which is neutral and non-polar, with leucine, which is neutral and non-polar, at codon 1164 of the COL1A1 protein (p.Pro1164Leu). This variant is not present in population databases (gnomAD no frequency). This variant has not been reported in the literature in individuals affected with COL1A1-related conditions. Advanced modeling of protein sequence and biophysical properties (such as structural, functional, and spatial information, amino acid conservation, physicochemical variation, residue mobility, and thermodynamic stability) performed at Invitae indicates that this missense variant is expected to disrupt COL1A1 protein function. In summary, the available evidence is currently insufficient to determine the role of this variant in disease. Therefore, it has been classified as a Variant of Uncertain Significance.